The following is an entry in ClinVar:

NM_001013838.3(CARMIL2):c.3055C>G (p.Pro1019Ala)

Gene: CARMIL2 (capping protein regulator and myosin 1 linker 2; plus strand). Cytogenetic location: 16q22.1.
Variant type: single nucleotide variant.
Coding change: c.3055C>G on transcript NM_001013838.3 (MANE Select); coding-DNA position 3055, C replaced by G.
Protein change: p.Pro1019Ala; replaces proline 1019 with alanine.
Molecular consequence: missense variant.
Genome position (GRCh38, 1-based): chr16:67,653,189, C>G. VCF-style: chr16-67653189-C-G. GRCh37 (hg19) VCF-style: chr16-67687092-C-G.
Other names: c.2947C>G, p.Pro983Ala (NM_001317026.3); short protein forms P983A, P1019A.
Identifiers: ClinVar variation 1471148 (VCV001471148.8), dbSNP rs2052763420, ClinGen allele CA396343190.

ClinVar aggregate classification (germline): Uncertain significance (1 of 4 stars; one submission).

Allele frequency attached by ClinVar (database versions not stated): gnomAD exomes 0.00001; gnomAD 0.00001.
gnomAD v4.1: 8 of 1,120,098 alleles (0.00071%); highest among the groups gnomAD compares: Non-Finnish European, 0.00076%; no homozygotes.

Submission:

Labcorp Genetics (formerly Invitae), Labcorp
Classification: Uncertain significance. Last evaluated: 2024-05-02. Review status: criteria provided, single submitter. Criteria: Invitae Variant Classification Sherloc (09022015). Collection method: clinical testing. Allele origin: germline.
Comment: This sequence change replaces proline, which is neutral and non-polar, with alanine, which is neutral and non-polar, at codon 1019 of the CARMIL2 protein (p.Pro1019Ala). The frequency data for this variant in the population databases is considered unreliable, as metrics indicate insufficient coverage at this position in the gnomAD database. This variant has not been reported in the literature in individuals affected with CARMIL2-related conditions. ClinVar contains an entry for this variant (Variation ID: 1471148). Advanced modeling of protein sequence and biophysical properties (such as structural, functional, and spatial information, amino acid conservation, physicochemical variation, residue mobility, and thermodynamic stability) performed at Invitae indicates that this missense variant is not expected to disrupt CARMIL2 protein function with a negative predictive value of 80%. In summary, the available evidence is currently insufficient to determine the role of this variant in disease. Therefore, it has been classified as a Variant of Uncertain Significance.